The following is an entry in ClinVar:

NM_003482.4(KMT2D):c.13345C>T (p.Leu4449Phe)

Gene: KMT2D (lysine methyltransferase 2D; minus strand). Cytogenetic location: 12q13.12.
Variant type: single nucleotide variant.
Coding change: c.13345C>T on transcript NM_003482.4 (MANE Select); coding-DNA position 13345, C replaced by T.
Protein change: p.Leu4449Phe; replaces leucine 4449 with phenylalanine.
Molecular consequence: missense variant.
Genome position (GRCh38, 1-based): chr12:49,031,360, G>A on the plus strand (C>T on the coding strand, the complement: KMT2D is on the minus strand). VCF-style: chr12-49031360-G-A. GRCh37 (hg19) VCF-style: chr12-49425143-G-A.
Other names: short protein forms L4449F.
Identifiers: ClinVar variation 1960936 (VCV001960936.7), dbSNP rs1942900844, ClinGen allele CA384704951.

ClinVar aggregate classification (germline): Uncertain significance. Review status: criteria provided, multiple submitters, no conflicts (2 of 4 stars). 3 submissions from 3 submitters: Uncertain significance (3). Last evaluated 2025-12-22.

Conditions:
Inborn genetic diseases. Identifiers: MedGen C0950123, MeSH D030342.
Kabuki syndrome. Also called: NIIKAWA-KUROKI SYNDROME; Kabuki make-up syndrome. Identifiers: Orphanet 2322, MedGen C0796004, MONDO:0016512.

Allele frequency attached by ClinVar (database versions not stated): gnomAD 0.00001; TOPMed below 0.00001.
gnomAD v4.1: 2 of 1,613,520 alleles (0.00012%); highest among the groups gnomAD compares: Admixed American, 0.0017%; no homozygotes.

Submissions (3):

Labcorp Genetics (formerly Invitae), Labcorp
Classification: Uncertain significance for Kabuki syndrome. Last evaluated: 2025-12-22. Review status: criteria provided, single submitter. Criteria: Invitae Variant Classification Sherloc (09022015). Collection method: clinical testing. Allele origin: germline.
Comment: This sequence change replaces leucine, which is neutral and non-polar, with phenylalanine, which is neutral and non-polar, at codon 4449 of the KMT2D protein (p.Leu4449Phe). This variant is not present in population databases (gnomAD no frequency). This variant has not been reported in the literature in individuals affected with KMT2D-related conditions. This missense change has been observed in at least one individual who was not affected with KMT2D-related conditions (internal data). ClinVar contains an entry for this variant (Variation ID: 1960936). Invitae Evidence Modeling of protein sequence and biophysical properties (such as structural, functional, and spatial information, amino acid conservation, physicochemical variation, residue mobility, and thermodynamic stability) has been performed for this missense variant. However, the output from this modeling did not meet the statistical confidence thresholds required to predict the impact of this variant on KMT2D protein function. In summary, the available evidence is currently insufficient to determine the role of this variant in disease. Therefore, it has been classified as a Variant of Uncertain Significance.

Ambry Genetics
Classification: Uncertain significance for Inborn genetic diseases. Last evaluated: 2025-08-25. Review status: criteria provided, single submitter. Criteria: Ambry Variant Classification Scheme 2023. Collection method: clinical testing. Allele origin: germline.

Women's Health and Genetics/Laboratory Corporation of America, LabCorp
Classification: Uncertain significance. Last evaluated: 2024-11-06. Review status: criteria provided, single submitter. Criteria: LabCorp Variant Classification Summary - May 2015. Collection method: clinical testing. Allele origin: germline.
Comment: Variant summary: KMT2D c.13345C>T (p.Leu4449Phe) results in a non-conservative amino acid change in the encoded protein sequence. Three of five in-silico tools predict a benign effect of the variant on protein function. The variant was absent in 248932 control chromosomes. The available data on variant occurrences in the general population are insufficient to allow any conclusion about variant significance. To our knowledge, no occurrence of c.13345C>T in individuals affected with Kabuki Syndrome 1 and no experimental evidence demonstrating its impact on protein function have been reported. ClinVar contains an entry for this variant (Variation ID: 1960936). Based on the evidence outlined above, the variant was classified as uncertain significance.